The following is an entry in ClinVar:

ClinVar aggregate classification (germline): Likely pathogenic (1 of 4 stars; one submission).

Conditions:
Early-infantile DEE. Also called: Early infantile epileptic encephalopathy; Ohtahara syndrome; Early infantile epileptic encephalopathy with suppression bursts. Identifiers: Orphanet 1934, MedGen C0393706, MONDO:0800491.

Allele frequency attached by ClinVar (database versions not stated): gnomAD 0.00001.
gnomAD v4.1: 1 of 1,613,790 alleles (0.000062%); highest among the groups gnomAD compares: South Asian, 0.0011%; no homozygotes.

Submission:

Labcorp Genetics (formerly Invitae), Labcorp
Classification: Likely pathogenic for Early-infantile DEE. Last evaluated: 2022-12-12. Review status: criteria provided, single submitter. Criteria: Invitae Variant Classification Sherloc (09022015). Collection method: clinical testing. Allele origin: germline.
Comment: In summary, the currently available evidence indicates that the variant is pathogenic, but additional data are needed to prove that conclusively. Therefore, this variant has been classified as Likely Pathogenic. Advanced modeling of protein sequence and biophysical properties (such as structural, functional, and spatial information, amino acid conservation, physicochemical variation, residue mobility, and thermodynamic stability) performed at Invitae indicates that this missense variant is not expected to disrupt SCN8A protein function. This missense change has been observed in individual(s) with SCN8A-related conditions (Invitae). In at least one individual the variant was observed to be de novo. This variant is not present in population databases (gnomAD no frequency). This sequence change replaces proline, which is neutral and non-polar, with leucine, which is neutral and non-polar, at codon 1939 of the SCN8A protein (p.Pro1939Leu).

NM_001330260.2(SCN8A):c.5816C>T (p.Pro1939Leu)

Gene: SCN8A (sodium voltage-gated channel alpha subunit 8; plus strand). Cytogenetic location: 12q13.13.
Variant type: single nucleotide variant.
Coding change: c.5816C>T on transcript NM_001330260.2 (MANE Select); coding-DNA position 5816, C replaced by T.
Protein change: p.Pro1939Leu; replaces proline 1939 with leucine.
Molecular consequence: missense variant.
Genome position (GRCh38, 1-based): chr12:51,807,302, C>T. VCF-style: chr12-51807302-C-T. GRCh37 (hg19) VCF-style: chr12-52201086-C-T.
Other names: c.5693C>T, p.Pro1898Leu (NM_001177984.3, NM_001369788.1); c.5816C>T, p.Pro1939Leu (NM_014191.4); short protein forms P1939L, P1898L.
Identifiers: ClinVar variation 2008823 (VCV002008823.4), dbSNP rs1938733899, ClinGen allele CA384889653.
Genomic context (GRCh38, chr12:51,807,302, plus strand): 5'-AGACAACTTCTAATAAGCTGGAGAATGGAGGCACACACCGGGAGAAAAAAGAGAGCACCC[C>T]ATCTACAGCCTCCCTCCCGTCCTATGACAGTGTAACTAAACCTGAAAAGGAGAAACAGCA-3'
Protein context (NP_001317189.1, residues 1929-1949): GTHREKKEST[Pro1939Leu]STASLPSYDS